The following is an entry in ClinVar:

NM_002292.4(LAMB2):c.2552T>C (p.Leu851Pro)

Genes: LAMB2 (laminin subunit beta 2; minus strand), LOC129936738 (ATAC-STARR-seq lymphoblastoid active region 19855; plus strand). Cytogenetic location: 3p21.31.
Variant type: single nucleotide variant.
Coding change: c.2552T>C on transcript NM_002292.4 (MANE Select); coding-DNA position 2552, T replaced by C.
Protein change: p.Leu851Pro; replaces leucine 851 with proline.
Molecular consequence: missense variant.
Genome position (GRCh38, 1-based): chr3:49,125,421, A>G on the plus strand (T>C on the coding strand, the complement: LAMB2 is on the minus strand). VCF-style: chr3-49125421-A-G. GRCh37 (hg19) VCF-style: chr3-49162854-A-G.
Other names: short protein forms L851P.
Identifiers: ClinVar variation 2001175 (VCV002001175.4), dbSNP rs2472542007, ClinGen allele CA352720186.
Genomic context (GRCh38, chr3:49,125,421, plus strand): 5'-AATCCCCACTGGCCACGCTGGCAGCGGTCACAGCGAAGCCCAAAGGCACCAGTTCGACAG[A>G]GACATTGCCCACTGGTCTTTTCACAGAGACTGCTGAGTGCCCCCTCGTGGCTGCACTGGC-3'
Protein context (NP_002283.3, residues 841-861): SLCEKTSGQC[Leu851Pro]CRTGAFGLRC

ClinVar aggregate classification (germline): Uncertain significance (1 of 4 stars; one submission).

Conditions:
LAMB2-related infantile-onset nephrotic syndrome. Also called: Nephrotic Syndrome, type 5; NEPHROTIC SYNDROME, TYPE 5, WITHOUT OCULAR ABNORMALITIES; NEPHROTIC SYNDROME, TYPE 5, WITH OCULAR ABNORMALITIES. Identifiers: Orphanet 306507, MedGen C3280113, MONDO:0013621, OMIM 614199.
Pierson syndrome. Also called: MICROCORIA-CONGENITAL NEPHROTIC SYNDROME. Identifiers: Orphanet 2670, MedGen C1836876, MONDO:0012184, OMIM 609049.

Submission:

Labcorp Genetics (formerly Invitae), Labcorp
Classification: Uncertain significance for LAMB2-related infantile-onset nephrotic syndrome; Pierson syndrome. Last evaluated: 2022-05-30. Review status: criteria provided, single submitter. Criteria: Invitae Variant Classification Sherloc (09022015). Collection method: clinical testing. Allele origin: germline.
Comment: In summary, the available evidence is currently insufficient to determine the role of this variant in disease. Therefore, it has been classified as a Variant of Uncertain Significance. Algorithms developed to predict the effect of missense changes on protein structure and function output the following: SIFT: "Tolerated"; PolyPhen-2: "Benign"; Align-GVGD: "Class C0". The proline amino acid residue is found in multiple mammalian species, which suggests that this missense change does not adversely affect protein function. This variant has not been reported in the literature in individuals affected with LAMB2-related conditions. This variant is not present in population databases (gnomAD no frequency). This sequence change replaces leucine, which is neutral and non-polar, with proline, which is neutral and non-polar, at codon 851 of the LAMB2 protein (p.Leu851Pro).